The following is an entry in ClinVar:

NM_001374736.1(DST):c.22849C>G (p.Arg7617Gly)

Gene: DST (dystonin; minus strand). Cytogenetic location: 6p12.1.
Variant type: single nucleotide variant.
Coding change: c.22849C>G on transcript NM_001374736.1 (MANE Select); coding-DNA position 22849, C replaced by G.
Protein change: p.Arg7617Gly; replaces arginine 7617 with glycine.
Molecular consequence: missense variant.
Genome position (GRCh38, 1-based): chr6:56,463,675, G>C on the plus strand (C>G on the coding strand, the complement: DST is on the minus strand). VCF-style: chr6-56463675-G-C. GRCh37 (hg19) VCF-style: chr6-56328473-G-C.
Other names: c.16420C>G, p.Arg5474Gly (NM_001144769.5); c.16006C>G, p.Arg5336Gly (NM_001144770.2); c.22777C>G, p.Arg7593Gly (NM_001374722.1); c.21889C>G, p.Arg7297Gly (NM_001374729.1); c.15631C>G, p.Arg5211Gly (NM_001374730.1); c.22804C>G, p.Arg7602Gly (NM_001374734.1); c.15868C>G, p.Arg5290Gly (NM_001386100.1); c.14908C>G, p.Arg4970Gly (NM_015548.5); and 1 more; short protein forms R4970G, R5211G, R5290G, R5296G, R5336G, R5474G, R7297G, R7593G.
Identifiers: ClinVar variation 1004641 (VCV001004641.7), dbSNP rs2094446184, ClinGen allele CA364504928.

ClinVar aggregate classification (germline): Uncertain significance (1 of 4 stars; one submission).

Conditions:
Hereditary sensory and autonomic neuropathy type 6. Also called: HSAN VI; Neuropathy, hereditary sensory and autonomic, type VI. Identifiers: Orphanet 314381, MedGen C3539003, MONDO:0013839, OMIM 614653.
Epidermolysis bullosa simplex 3, localized or generalized intermediate, with BP230 deficiency (EBS3). Also called: Epidermolysis bullosa simplex due to BP230 deficiency; Epidermolysis bullosa simplex, autosomal recessive 2. Identifiers: Orphanet 412181, MedGen C3809470, MONDO:0014180, OMIM 615425.

gnomAD v4.1: 13 of 1,613,966 alleles (0.00081%); highest among the groups gnomAD compares: Non-Finnish European, 0.0011%; no homozygotes.

Submission:

Labcorp Genetics (formerly Invitae), Labcorp
Classification: Uncertain significance for Epidermolysis bullosa simplex 3, localized or generalized intermediate, with BP230 deficiency; Hereditary sensory and autonomic neuropathy type 6. Last evaluated: 2020-02-27. Review status: criteria provided, single submitter. Criteria: Invitae Variant Classification Sherloc (09022015). Collection method: clinical testing. Allele origin: germline.
Comment: This sequence change replaces arginine with glycine at codon 4970 of the DST protein (p.Arg4970Gly). The arginine residue is moderately conserved and there is a moderate physicochemical difference between the two amino acids. The DST gene has multiple clinically relevant transcripts. This variant occurs in alternate transcript NM_015548.4, and corresponds to NM_001723.5:c.*151842C>G in the primary transcript. This variant is not present in population databases (ExAC no frequency). This variant has not been reported in the literature in individuals with DST-related conditions. In summary, the available evidence is currently insufficient to determine the role of this variant in disease. Therefore, it has been classified as a Variant of Uncertain Significance. Experimental studies and prediction algorithms are not available or were not evaluated, and the functional significance of this variant is currently unknown.